The following is an entry in ClinVar:

ClinVar aggregate classification (germline): Pathogenic (1 of 4 stars; one submission).

Conditions:
Familial cancer of breast. Also called: BREAST CANCER, FAMILIAL; hereditary breast carcinoma; Hereditary breast cancer. Identifiers: Orphanet 227535, MedGen C0346153, MONDO:0016419, OMIM 114480. Disease mechanism: loss of function.

Submission:

Myriad Genetics, Inc.
Classification: Pathogenic for Familial cancer of breast. Last evaluated: 2023-05-31. Review status: criteria provided, single submitter. Criteria: Myriad Autosomal Dominant, Autosomal Recessive and X-Linked Classification Criteria (2023). Collection method: clinical testing. Allele origin: unknown.
Comment: This variant is considered pathogenic. This variant creates a frameshift predicted to result in premature protein truncation.

NM_032043.3(BRIP1):c.775dup (p.Ile259fs)

Gene: BRIP1 (BRCA1 interacting DNA helicase 1; minus strand). Cytogenetic location: 17q23.2.
Variant type: Duplication.
Coding change: c.775dup on transcript NM_032043.3 (MANE Select); coding-DNA position 775, one base duplicated (A; older notation c.775dupA).
Protein change: p.Ile259fs; shifts the reading frame from isoleucine 259.
Molecular consequence: frameshift variant.
Genome position (GRCh38, 1-based): chr17:61,808,610, T duplicated on the plus strand (A on the coding strand, the reverse complement: BRIP1 is on the minus strand). VCF-style (leftmost placement, unchanged base first): chr17-61808609-A-AT. GRCh37 (hg19) VCF-style: chr17-59885970-A-AT.
Other names: short protein forms I259fs.
Identifiers: ClinVar variation 2583771 (VCV002583771.2), dbSNP rs2545196585, ClinGen allele CA2582342250.